The following is an entry in ClinVar:

NM_020549.5(CHAT):c.653T>C (p.Val218Ala)

Gene: CHAT (choline O-acetyltransferase; plus strand). Cytogenetic location: 10q11.23.
Variant type: single nucleotide variant.
Coding change: c.653T>C on transcript NM_020549.5 (MANE Select); coding-DNA position 653, T replaced by C.
Protein change: p.Val218Ala; replaces valine 218 with alanine.
Molecular consequence: missense variant.
Genome position (GRCh38, 1-based): chr10:49,620,568, T>C. VCF-style: chr10-49620568-T-C. GRCh37 (hg19) VCF-style: chr10-50828614-T-C.
Other names: c.299T>C, p.Val100Ala (NM_001142929.2, NM_001142934.2, NM_020984.4 and 2 more transcripts); c.407T>C, p.Val136Ala (NM_001142933.2); short protein forms V100A, V136A, V218A.
Identifiers: ClinVar variation 4845288 (VCV004845288.1).

ClinVar aggregate classification (germline): Uncertain significance (1 of 4 stars; one submission).

Conditions:
Familial infantile myasthenia (CMS6). Also called: MYASTHENIC SYNDROME, PRESYNAPTIC, CONGENITAL, ASSOCIATED WITH EPISODIC APNEA; MYASTHENIC SYNDROME, CONGENITAL, 6, PRESYNAPTIC; Congenital myasthenic syndrome type 6. Identifiers: Orphanet 590, MedGen C0393929, MONDO:0009689, OMIM 254210.

Submission:

Pediatric Neurology, Ankara Etlik City Hospital, Health Sciences University
Classification: Uncertain significance for Familial infantile myasthenia. Last evaluated: 2026-04-14. Review status: criteria provided, single submitter. Criteria: ACMG Guidelines, 2015. Collection method: clinical testing. Allele origin: germline. Inheritance: Autosomal recessive inheritance. Affected: yes. Observed: 3 variant alleles, 3 homozygotes.
Comment: PM2 PM1

Literature cited by the submitters: PubMed 26080897.